The following is an entry in ClinVar:

ClinVar aggregate classification (germline): Uncertain significance (1 of 4 stars; one submission).

Conditions:
Hereditary cancer-predisposing syndrome. Also called: Tumor predisposition; Hereditary neoplastic syndrome; Hereditary Cancer Syndrome; Neoplastic Syndromes, Hereditary. Identifiers: Orphanet 140162, MedGen C0027672, MeSH D009386, MONDO:0015356.

Submission:

Ambry Genetics
Classification: Uncertain significance for Hereditary cancer-predisposing syndrome. Last evaluated: 2025-05-09. Review status: criteria provided, single submitter. Criteria: Ambry Variant Classification Scheme 2023. Collection method: clinical testing. Allele origin: germline.
Comment: The c.1793-23_1795del26 variant results from a deletion of 26 nucleotides between positions c.1793-23 and c.1795 and involves the canonical splice acceptor site before coding exon 15 of the POT1 gene. This alteration occurs at the 3' terminus of the POT1 gene, is not expected to trigger nonsense-mediated mRNA decay, and only impacts the last 37 amino acids of the protein. The exact functional effect of this alteration is unknown. The canonical splice acceptor site is highly conserved in available vertebrate species. In silico splice site analysis predicts that this alteration will weaken the native splice acceptor site; however, direct evidence is insufficient at this time (Ambry internal data). Based on the available evidence, the clinical significance of this variant remains unclear.

NM_015450.3(POT1):c.1793-23_1795del

Gene: POT1 (protection of telomeres 1; minus strand). Cytogenetic location: 7q31.33.
Variant type: Deletion.
Coding change: c.1793-23_1795del on transcript NM_015450.3 (MANE Select); 23 bases into the intron before coding-DNA position 1793 through coding-DNA position 1795, 26 bases deleted (TTTTTTTGTTTTTGTTTTTGTAGATG).
Molecular consequence: splice acceptor variant.
Genome position (GRCh38, 1-based): chr7:124,824,072-124,824,097, CATCTACAAAAACAAAAACAAAAAAA deleted on the plus strand (TTTTTTTGTTTTTGTTTTTGTAGATG on the coding strand, the reverse complement: POT1 is on the minus strand). VCF-style (leftmost placement, unchanged base first): chr7-124824071-GCATCTACAAAAACAAAAACAAAAAAA-G. GRCh37 (hg19) VCF-style: chr7-124464125-GCATCTACAAAAACAAAAACAAAAAAA-G.
Other names: c.1400-23_1402del (NM_001042594.2).
Identifiers: ClinVar variation 3936291 (VCV003936291.1).
Genomic context (GRCh38, chr7:124,824,071, plus strand): 5'-TGATTATCTGTTCCATTTGTGACATTGTATGACTTGATGAAGCATTCCAACCACGGATAT[GCATCTACAAAAACAAAAACAAAAAAA>G]GCGATTTAACCATTAAAACAAAATAAATAACTCTGAAATAGGTACCTAAGCTTACCACTG-3'